The following is an entry in ClinVar:

ClinVar aggregate classification (germline): Uncertain significance. Review status: criteria provided, multiple submitters, no conflicts (2 of 4 stars). 2 submissions from 2 submitters: Uncertain significance (2). Last evaluated 2025-06-03.

Conditions:
Primary ciliary dyskinesia. Also called: Ciliary dyskinesia. Identifiers: Orphanet 244, MedGen C0008780, MONDO:0016575, HP:0012265.

Allele frequency attached by ClinVar (database versions not stated): gnomAD exomes 0.00001; ExAC 0.00004; gnomAD 0.00005; ESP Exome Variant Server 0.00008; 1000 Genomes Project 0.00040; 1000 Genomes Project 30x 0.00047.
gnomAD v4.1: 26 of 1,613,920 alleles (0.0016%); highest among the groups gnomAD compares: East Asian, 0.018%; no homozygotes.

Submissions (2):

Ambry Genetics
Classification: Uncertain significance for Primary ciliary dyskinesia. Last evaluated: 2025-06-03. Review status: criteria provided, single submitter. Criteria: Ambry Variant Classification Scheme 2023. Collection method: clinical testing. Allele origin: germline.

Labcorp Genetics (formerly Invitae), Labcorp
Classification: Uncertain significance for Primary ciliary dyskinesia. Last evaluated: 2022-06-10. Review status: criteria provided, single submitter. Criteria: Invitae Variant Classification Sherloc (09022015). Collection method: clinical testing. Allele origin: germline.
Comment: This sequence change replaces aspartic acid, which is acidic and polar, with asparagine, which is neutral and polar, at codon 1010 of the CCDC40 protein (p.Asp1010Asn). This variant is present in population databases (rs146119288, gnomAD 0.03%). This variant has not been reported in the literature in individuals affected with CCDC40-related conditions. Algorithms developed to predict the effect of missense changes on protein structure and function (SIFT, PolyPhen-2, Align-GVGD) all suggest that this variant is likely to be tolerated. In summary, the available evidence is currently insufficient to determine the role of this variant in disease. Therefore, it has been classified as a Variant of Uncertain Significance.

NM_017950.4(CCDC40):c.3028G>A (p.Asp1010Asn)

Gene: CCDC40 (coiled-coil domain 40 molecular ruler complex subunit; plus strand). Cytogenetic location: 17q25.3.
Variant type: single nucleotide variant.
Coding change: c.3028G>A on transcript NM_017950.4 (MANE Select); coding-DNA position 3028, G replaced by A.
Protein change: p.Asp1010Asn; replaces aspartic acid 1010 with asparagine.
Molecular consequence: missense variant.
Genome position (GRCh38, 1-based): chr17:80,097,251, G>A. VCF-style: chr17-80097251-G-A. GRCh37 (hg19) VCF-style: chr17-78071050-G-A.
Other names: c.3028G>A (NM_017950.3); short protein forms D1010N.
Identifiers: ClinVar variation 2202213 (VCV002202213.2), dbSNP rs146119288, ClinGen allele CA8814611.